The following is an entry in ClinVar:

NM_000550.3(TYRP1):c.290G>A (p.Arg97Lys)

Gene: TYRP1 (tyrosinase related protein 1; plus strand). Cytogenetic location: 9p23.
Variant type: single nucleotide variant.
Coding change: c.290G>A on transcript NM_000550.3 (MANE Select); coding-DNA position 290, G replaced by A.
Protein change: p.Arg97Lys; replaces arginine 97 with lysine.
Molecular consequence: missense variant.
Genome position (GRCh38, 1-based): chr9:12,694,286, G>A. VCF-style: chr9-12694286-G-A. GRCh37 (hg19) VCF-style: chr9-12694286-G-A.
Other names: short protein forms R97K.
Identifiers: ClinVar variation 2004211 (VCV002004211.1), dbSNP rs1201519303, ClinGen allele CA372936747.

ClinVar aggregate classification (germline): Uncertain significance (1 of 4 stars; one submission).

Allele frequency attached by ClinVar (database versions not stated): gnomAD exomes 0.00001.
gnomAD v4.1: 4 of 1,613,940 alleles (0.00025%); highest among the groups gnomAD compares: Non-Finnish European, 0.00034%; no homozygotes.

Submission:

Labcorp Genetics (formerly Invitae), Labcorp
Classification: Uncertain significance. Last evaluated: 2022-06-10. Review status: criteria provided, single submitter. Criteria: Invitae Variant Classification Sherloc (09022015). Collection method: clinical testing. Allele origin: germline.
Comment: This sequence change replaces arginine, which is basic and polar, with lysine, which is basic and polar, at codon 97 of the TYRP1 protein (p.Arg97Lys). This variant is not present in population databases (gnomAD no frequency). This variant has not been reported in the literature in individuals affected with TYRP1-related conditions. Algorithms developed to predict the effect of missense changes on protein structure and function are either unavailable or do not agree on the potential impact of this missense change (SIFT: "Tolerated"; PolyPhen-2: "Possibly Damaging"; Align-GVGD: "Class C0"). Algorithms developed to predict the effect of sequence changes on RNA splicing suggest that this variant may disrupt the consensus splice site. In summary, the available evidence is currently insufficient to determine the role of this variant in disease. Therefore, it has been classified as a Variant of Uncertain Significance.